The following is an entry in ClinVar:

NM_020631.6(PLEKHG5):c.2744G>A (p.Arg915Lys)

Gene: PLEKHG5 (pleckstrin homology and RhoGEF domain containing G5; minus strand). Cytogenetic location: 1p36.31.
Variant type: single nucleotide variant.
Coding change: c.2744G>A on transcript NM_020631.6 (MANE Select); coding-DNA position 2744, G replaced by A.
Protein change: p.Arg915Lys; replaces arginine 915 with lysine.
Molecular consequence: missense variant. On other transcripts: intron variant (1).
Genome position (GRCh38, 1-based): chr1:6,468,092, C>T on the plus strand (G>A on the coding strand, the complement: PLEKHG5 is on the minus strand). VCF-style: chr1-6468092-C-T. GRCh37 (hg19) VCF-style: chr1-6528152-C-T.
Other names: c.2855G>A, p.Arg952Lys (NM_001042663.3, NM_001265592.2); c.2744G>A, p.Arg915Lys (NM_001042664.2, NM_001042665.2, NM_198681.4); c.2951G>A, p.Arg984Lys (NM_001265593.2); c.2737+7G>A (NM_001265594.3); short protein forms R984K, R915K, R952K.
Identifiers: ClinVar variation 957992 (VCV000957992.5), dbSNP rs1644446616, ClinGen allele CA338115041.

ClinVar aggregate classification (germline): Uncertain significance (1 of 4 stars; one submission).

Conditions:
Charcot-Marie-Tooth disease recessive intermediate C. Also called: CHARCOT-MARIE-TOOTH NEUROPATHY, RECESSIVE INTERMEDIATE C. Identifiers: Orphanet 369867, MedGen C3809309, MONDO:0014154, OMIM 615376.
Neuronopathy, distal hereditary motor, autosomal recessive 4. Also called: Autosomal recessive lower motor neuron disease with childhood onset; NEUROPATHY, DISTAL HEREDITARY MOTOR, AUTOSOMAL RECESSIVE 4. Identifiers: Orphanet 206580, MedGen C1970211, MONDO:0012608, OMIM 611067.

Submission:

Labcorp Genetics (formerly Invitae), Labcorp
Classification: Uncertain significance for Neuronopathy, distal hereditary motor, autosomal recessive 4; Charcot-Marie-Tooth disease recessive intermediate C. Last evaluated: 2021-12-11. Review status: criteria provided, single submitter. Criteria: Invitae Variant Classification Sherloc (09022015). Collection method: clinical testing. Allele origin: germline.
Comment: This sequence change replaces arginine, which is basic and polar, with lysine, which is basic and polar, at codon 915 of the PLEKHG5 protein (p.Arg915Lys). This variant is not present in population databases (gnomAD no frequency). This variant has not been reported in the literature in individuals affected with PLEKHG5-related conditions. ClinVar contains an entry for this variant (Variation ID: 957992). Algorithms developed to predict the effect of missense changes on protein structure and function (SIFT, PolyPhen-2, Align-GVGD) all suggest that this variant is likely to be tolerated. In summary, the available evidence is currently insufficient to determine the role of this variant in disease. Therefore, it has been classified as a Variant of Uncertain Significance.